The following is an entry in ClinVar:

NM_000179.3(MSH6):c.3907G>T (p.Ala1303Ser)

Gene: MSH6 (mutS homolog 6; plus strand). Cytogenetic location: 2p16.3.
Variant type: single nucleotide variant.
Coding change: c.3907G>T on transcript NM_000179.3 (MANE Select); coding-DNA position 3907, G replaced by T.
Protein change: p.Ala1303Ser; replaces alanine 1303 with serine.
Molecular consequence: missense variant.
Genome position (GRCh38, 1-based): chr2:47,806,557, G>T. VCF-style: chr2-47806557-G-T. GRCh37 (hg19) VCF-style: chr2-48033696-G-T.
Other names: c.3517G>T, p.Ala1173Ser (NM_001281492.2); c.3001G>T, p.Ala1001Ser (NM_001281493.2, NM_001281494.2, NM_001406812.1 and 6 more transcripts); c.4003G>T, p.Ala1335Ser (NM_001406795.1); c.3907G>T, p.Ala1303Ser (NM_001406796.1, NM_001406808.1, NM_001406809.1); c.3610G>T, p.Ala1204Ser (NM_001406797.1, NM_001406818.1, NM_001406819.1 and 10 more transcripts); c.3733G>T, p.Ala1245Ser (NM_001406798.1); c.3382G>T, p.Ala1128Ser (NM_001406799.1, NM_001406806.1, NM_001406807.1); c.3894G>T, p.Gln1298His (NM_001406800.1); and 8 more; short protein forms A1015S, A1277S, A230S, A252S, A1305S, A1245S, A1247S, A1303S.
Identifiers: ClinVar variation 1736070 (VCV001736070.3), dbSNP rs63751064, ClinGen allele CA346761436.

ClinVar aggregate classification (germline): Uncertain significance (1 of 4 stars; one submission).

Conditions:
Hereditary cancer-predisposing syndrome. Also called: Hereditary Cancer Syndrome; Hereditary neoplastic syndrome; Neoplastic Syndromes, Hereditary; Tumor predisposition. Identifiers: Orphanet 140162, MedGen C0027672, MeSH D009386, MONDO:0015356.

Submission:

Ambry Genetics
Classification: Uncertain significance for Hereditary cancer-predisposing syndrome. Last evaluated: 2026-08-13. Review status: criteria provided, single submitter. Criteria: Ambry Variant Classification Scheme 2023. Collection method: clinical testing. Allele origin: germline.
Comment: The p.A1303S variant (also known as c.3907G>T), located in coding exon 9 of the MSH6 gene, results from a G to T substitution at nucleotide position 3907. The alanine at codon 1303 is replaced by serine, an amino acid with similar properties. This amino acid position is highly conserved in available vertebrate species. In addition, this alteration is predicted to be deleterious by in silico analysis. Based on the available evidence, the clinical significance of this variant remains unclear.